The following is an entry in ClinVar:

NM_001267550.2(TTN):c.97356A>G (p.Glu32452=)

Genes: TTN (titin; minus strand), TTN-AS1 (TTN antisense RNA 1; plus strand). Cytogenetic location: 2q31.2.
Variant type: single nucleotide variant.
Coding change: c.97356A>G on transcript NM_001267550.2 (MANE Select); coding-DNA position 97356, A replaced by G.
Protein change: p.Glu32452=; no amino-acid change (glutamic acid 32452 retained).
Molecular consequence: synonymous variant.
Genome position (GRCh38, 1-based): chr2:178,542,400, T>C on the plus strand (A>G on the coding strand, the complement: TTN is on the minus strand). VCF-style: chr2-178542400-T-C. GRCh37 (hg19) VCF-style: chr2-179407127-T-C.
Other names: c.92433A>G, p.Glu30811= (NM_001256850.1); c.70161A>G, p.Glu23387= (NM_003319.4); c.89652A>G, p.Glu29884= (NM_133378.4); c.70536A>G, p.Glu23512= (NM_133432.3); c.70737A>G, p.Glu23579= (NM_133437.4).
Identifiers: ClinVar variation 4281068 (VCV004281068.7).

ClinVar aggregate classification (germline): Likely benign (1 of 4 stars; one submission).

Submission:

CeGaT Center for Human Genetics Tuebingen
Classification: Likely benign. Last evaluated: 2025-09-01. Review status: criteria provided, single submitter. Criteria: CeGaT Center For Human Genetics Tuebingen Variant Classification Criteria Version 2. Collection method: clinical testing. Allele origin: germline. Affected: yes. Observed: 1 variant allele.
Comment: TTN: PM2:Supporting, BP4, BP7